The following is an entry in ClinVar:

ClinVar aggregate classification (germline): Likely benign. Review status: criteria provided, single submitter (1 of 4 stars). 2 submissions from 2 submitters: Likely benign (1). 1 of the submissions does not count toward it. Last evaluated 2024-04-01.

Conditions:
FAT2-related disorder. Also called: FAT2-related condition.

Allele frequency attached by ClinVar (database versions not stated): gnomAD exomes 0.00006; gnomAD 0.00008; TOPMed 0.00015; ExAC 0.00018; 1000 Genomes Project 0.00040; 1000 Genomes Project 30x 0.00062.
gnomAD v4.1: 109 of 1,613,464 alleles (0.0068%); highest among the groups gnomAD compares: East Asian, 0.22%; no homozygotes.

Submissions (2):

Labcorp Genetics (formerly Invitae), Labcorp
Classification: Likely benign. Last evaluated: 2024-04-01. Review status: criteria provided, single submitter. Criteria: Invitae Variant Classification Sherloc (09022015). Collection method: clinical testing. Allele origin: germline.

PreventionGenetics, part of Exact Sciences
Classification: Likely benign for FAT2-related condition. Last evaluated: 2019-05-24. Review status: no assertion criteria provided. Collection method: clinical testing. Allele origin: germline. Not counted in ClinVar's aggregate classification.
Comment: This variant is classified as likely benign based on ACMG/AMP sequence variant interpretation guidelines (Richards et al. 2015 PMID: 25741868, with internal and published modifications).

NM_001447.3(FAT2):c.2497A>G (p.Thr833Ala)

Gene: FAT2 (FAT atypical cadherin 2; minus strand). Cytogenetic location: 5q33.1.
Variant type: single nucleotide variant.
Coding change: c.2497A>G on transcript NM_001447.3 (MANE Select); coding-DNA position 2497, A replaced by G.
Protein change: p.Thr833Ala; replaces threonine 833 with alanine.
Molecular consequence: missense variant.
Genome position (GRCh38, 1-based): chr5:151,566,435, T>C on the plus strand (A>G on the coding strand, the complement: FAT2 is on the minus strand). VCF-style: chr5-151566435-T-C. GRCh37 (hg19) VCF-style: chr5-150945996-T-C.
Other names: short protein forms T833A.
Identifiers: ClinVar variation 3039418 (VCV003039418.4), dbSNP rs188879170, ClinGen allele CA3522058.